The following is an entry in ClinVar:

ClinVar aggregate classification (germline): Uncertain significance. Review status: criteria provided, multiple submitters, no conflicts (2 of 4 stars). 2 submissions from 2 submitters: Uncertain significance (2). Last evaluated 2025-08-18.

gnomAD v4.1: 6 of 1,613,980 alleles (0.00037%); highest among the groups gnomAD compares: South Asian, 0.0011%; no homozygotes.

Submissions (2):

Labcorp Genetics (formerly Invitae), Labcorp
Classification: Uncertain significance. Last evaluated: 2025-08-18. Review status: criteria provided, single submitter. Criteria: Invitae Variant Classification Sherloc (09022015). Collection method: clinical testing. Allele origin: germline.
Comment: This sequence change replaces valine, which is neutral and non-polar, with leucine, which is neutral and non-polar, at codon 314 of the SGPL1 protein (p.Val314Leu). This variant is not present in population databases (gnomAD no frequency). This variant has not been reported in the literature in individuals affected with SGPL1-related conditions. ClinVar contains an entry for this variant (Variation ID: 872701). Invitae Evidence Modeling of protein sequence and biophysical properties (such as structural, functional, and spatial information, amino acid conservation, physicochemical variation, residue mobility, and thermodynamic stability) indicates that this missense variant is expected to disrupt SGPL1 protein function with a positive predictive value of 80%. In summary, the available evidence is currently insufficient to determine the role of this variant in disease. Therefore, it has been classified as a Variant of Uncertain Significance.

CeGaT Center for Human Genetics Tuebingen
Classification: Uncertain significance. Last evaluated: 2019-07-01. Review status: criteria provided, single submitter. Criteria: CeGaT Center For Human Genetics Tuebingen Variant Classification Criteria Version 2. Collection method: clinical testing. Allele origin: germline. Affected: yes. Observed: 1 variant allele.

NM_003901.4(SGPL1):c.940G>C (p.Val314Leu)

Gene: SGPL1 (sphingosine-1-phosphate lyase 1; plus strand). Cytogenetic location: 10q22.1.
Variant type: single nucleotide variant.
Coding change: c.940G>C on transcript NM_003901.4 (MANE Select); coding-DNA position 940, G replaced by C.
Protein change: p.Val314Leu; replaces valine 314 with leucine.
Molecular consequence: missense variant.
Genome position (GRCh38, 1-based): chr10:70,871,867, G>C. VCF-style: chr10-70871867-G-C. GRCh37 (hg19) VCF-style: chr10-72631624-G-C.
Other names: short protein forms V314L.
Identifiers: ClinVar variation 872701 (VCV000872701.44), dbSNP rs1846303285, ClinGen allele CA377123590.